The following is an entry in ClinVar:

NM_001282116.2(RFX3):c.163G>T (p.Ala55Ser)

Gene: RFX3 (regulatory factor X3; minus strand). Cytogenetic location: 9p24.2.
Variant type: single nucleotide variant.
Coding change: c.163G>T on transcript NM_001282116.2 (MANE Select); coding-DNA position 163, G replaced by T.
Protein change: p.Ala55Ser; replaces alanine 55 with serine.
Molecular consequence: missense variant.
Genome position (GRCh38, 1-based): chr9:3,346,719, C>A on the plus strand (G>T on the coding strand, the complement: RFX3 is on the minus strand). VCF-style: chr9-3346719-C-A. GRCh37 (hg19) VCF-style: chr9-3346719-C-A.
Other names: NC_000009.11:g.3346719C>A; c.163G>T, p.Ala55Ser (NM_001282117.2, NM_001377999.1, NM_002919.4 and 1 more transcripts); short protein forms A55S.
Identifiers: ClinVar variation 4355919 (VCV004355919.2).

ClinVar aggregate classification (germline): Uncertain significance (1 of 4 stars; one submission).

gnomAD v4.1: 33 of 1,613,518 alleles (0.002%); highest among the groups gnomAD compares: East Asian, 0.0089%; no homozygotes.

Submissions (2):

Women's Health and Genetics/Laboratory Corporation of America, LabCorp
Classification: Uncertain significance. Last evaluated: 2026-04-13. Review status: criteria provided, single submitter. Criteria: LabCorp Variant Classification Summary - May 2015. Collection method: clinical testing. Allele origin: germline.
Comment: Variant summary: RFX3 c.163G>T (p.Ala55Ser) results in a conservative amino acid change in the encoded protein sequence. Algorithms developed to predict the effect of missense changes on protein structure and function are either unavailable or do not agree on the potential impact of this missense change. The variant allele was found at a frequency of 1.2e-05 in 251130 control chromosomes. The available data on variant occurrences in the general population are insufficient to allow any conclusion about variant significance. To our knowledge, no occurrence of c.163G>T in individuals affected with RFX3-related conditions and no experimental evidence demonstrating its impact on protein function have been reported. ClinVar contains an entry for this variant (Variation ID: 4355919). Based on the evidence outlined above, the variant was classified as uncertain significance.

Dr. Peter K. Rogan Lab, Western University
No classification provided (evidence only). Condition: Cervical cancer. Review status: no classification provided. Collection method: in vitro. Allele origin: not applicable. Functional consequence: retained intron. Not counted in ClinVar's aggregate classification.